The following is an entry in ClinVar:

ClinVar aggregate classification (germline): Uncertain significance (1 of 4 stars; one submission).

Conditions:
Inborn genetic diseases. Identifiers: MedGen C0950123, MeSH D030342.

gnomAD v4.1: 30 of 1,613,510 alleles (0.0019%); highest among the groups gnomAD compares: Non-Finnish European, 0.0025%; no homozygotes.

Submission:

Ambry Genetics
Classification: Uncertain significance for Inborn genetic diseases. Last evaluated: 2022-07-02. Review status: criteria provided, single submitter. Criteria: Ambry Variant Classification Scheme 2023. Collection method: clinical testing. Allele origin: germline.
Comment: The p.R730P variant (also known as c.2189G>C), located in coding exon 22 of the ERCC2 gene, results from a G to C substitution at nucleotide position 2189. The arginine at codon 730 is replaced by proline, an amino acid with dissimilar properties. This amino acid position is conserved. In addition, the in silico prediction for this alteration is inconclusive. Since supporting evidence is limited at this time, the clinical significance of this alteration remains unclear.

NM_000400.4(ERCC2):c.2189G>C (p.Arg730Pro)

Gene: ERCC2 (ERCC excision repair 2, TFIIH core complex helicase subunit; minus strand). Cytogenetic location: 19q13.32.
Variant type: single nucleotide variant.
Coding change: c.2189G>C on transcript NM_000400.4 (MANE Select); coding-DNA position 2189, G replaced by C.
Protein change: p.Arg730Pro; replaces arginine 730 with proline.
Molecular consequence: missense variant.
Genome position (GRCh38, 1-based): chr19:45,352,210, C>G on the plus strand (G>C on the coding strand, the complement: ERCC2 is on the minus strand). VCF-style: chr19-45352210-C-G. GRCh37 (hg19) VCF-style: chr19-45855468-C-G.
Other names: short protein forms R730P.
Identifiers: ClinVar variation 1787384 (VCV001787384.2), dbSNP rs759412116, ClinGen allele CA406360830.